The following is an entry in ClinVar:

NM_001166108.2(PALLD):c.*96A>T

Genes: CBR4 (carbonyl reductase 4; minus strand), PALLD (palladin, cytoskeletal associated protein; plus strand). Cytogenetic location: 4q32.3.
Variant type: single nucleotide variant.
Coding change: c.*96A>T on transcript NM_001166108.2 (MANE Select); 96 bases downstream of the stop codon, A replaced by T.
Molecular consequence: 3 prime UTR variant. On other transcripts: missense variant (4).
Genome position (GRCh38, 1-based): chr4:168,926,276, A>T. VCF-style: chr4-168926276-A-T. GRCh37 (hg19) VCF-style: chr4-169847427-A-T.
Other names: c.2225A>T, p.Tyr742Phe (NM_001166109.2); c.1910A>T, p.Tyr637Phe (NM_001166110.2); c.*96A>T (NM_001367567.1, NM_001367570.1, NM_016081.4); c.1301A>T, p.Tyr434Phe (NM_001367568.1); c.1250A>T, p.Tyr417Phe (NM_001367569.1); c.1910A>T (NM_001166110.1); short protein forms Y637F, Y742F, Y434F, Y417F.
Identifiers: ClinVar variation 2046629 (VCV002046629.6), dbSNP rs1388506993, ClinGen allele CA358715992.

ClinVar aggregate classification (germline): Uncertain significance. Review status: criteria provided, multiple submitters, no conflicts (2 of 4 stars). 2 submissions from 2 submitters: Uncertain significance (2). Last evaluated 2025-04-07.

Conditions:
Pancreatic adenocarcinoma. Identifiers: MedGen C0281361, MONDO:0006047, HP:0006725.

Allele frequency attached by ClinVar (database versions not stated): TOPMed below 0.00001.

Submissions (2):

Ambry Genetics
Classification: Uncertain significance. Last evaluated: 2025-04-07. Review status: criteria provided, single submitter. Criteria: Ambry Variant Classification Scheme 2023. Collection method: clinical testing. Allele origin: germline.
Comment: The p.Y637F variant (also known as c.1910A>T), located in coding exon 11 of the PALLD gene, results from an A to T substitution at nucleotide position 1910. The tyrosine at codon 637 is replaced by phenylalanine, an amino acid with highly similar properties. This amino acid position is conserved. In addition, the in silico prediction for this alteration is inconclusive. Based on the available evidence, the clinical significance of this variant remains unclear.

Labcorp Genetics (formerly Invitae), Labcorp
Classification: Uncertain significance for Pancreatic adenocarcinoma. Last evaluated: 2022-02-18. Review status: criteria provided, single submitter. Criteria: Invitae Variant Classification Sherloc (09022015). Collection method: clinical testing. Allele origin: germline.
Comment: This sequence change replaces tyrosine, which is neutral and polar, with phenylalanine, which is neutral and non-polar, at codon 637 of the PALLD protein (p.Tyr637Phe). This variant is not present in population databases (gnomAD no frequency). This variant has not been reported in the literature in individuals affected with PALLD-related conditions. Algorithms developed to predict the effect of missense changes on protein structure and function are either unavailable or do not agree on the potential impact of this missense change (SIFT: "Deleterious"; PolyPhen-2: "Benign"; Align-GVGD: "Class C0"). In summary, the available evidence is currently insufficient to determine the role of this variant in disease. Therefore, it has been classified as a Variant of Uncertain Significance.